The following is an entry in ClinVar:

ClinVar aggregate classification (germline): Uncertain significance (1 of 4 stars; one submission).

Allele frequency attached by ClinVar (database versions not stated): gnomAD exomes below 0.00001.
gnomAD v4.1: 3 of 1,601,654 alleles (0.00019%); highest among the groups gnomAD compares: Non-Finnish European, 0.00026%; no homozygotes.

Submission:

Labcorp Genetics (formerly Invitae), Labcorp
Classification: Uncertain significance. Last evaluated: 2023-09-26. Review status: criteria provided, single submitter. Criteria: Invitae Variant Classification Sherloc (09022015). Collection method: clinical testing. Allele origin: germline.
Comment: In summary, the available evidence is currently insufficient to determine the role of this variant in disease. Therefore, it has been classified as a Variant of Uncertain Significance. Advanced modeling of protein sequence and biophysical properties (such as structural, functional, and spatial information, amino acid conservation, physicochemical variation, residue mobility, and thermodynamic stability) performed at Invitae indicates that this missense variant is not expected to disrupt CACNA1E protein function. This variant has not been reported in the literature in individuals affected with CACNA1E-related conditions. This variant is not present in population databases (gnomAD no frequency). This sequence change replaces histidine, which is basic and polar, with tyrosine, which is neutral and polar, at codon 2033 of the CACNA1E protein (p.His2033Tyr).

NM_001205293.3(CACNA1E):c.6226C>T (p.His2076Tyr)

Gene: CACNA1E (calcium voltage-gated channel subunit alpha1 E; plus strand). Cytogenetic location: 1q25.3.
Variant type: single nucleotide variant.
Coding change: c.6226C>T on transcript NM_001205293.3 (MANE Select); coding-DNA position 6226, C replaced by T.
Protein change: p.His2076Tyr; replaces histidine 2076 with tyrosine.
Molecular consequence: missense variant.
Genome position (GRCh38, 1-based): chr1:181,796,685, C>T. VCF-style: chr1-181796685-C-T. GRCh37 (hg19) VCF-style: chr1-181765821-C-T.
Other names: c.6097C>T, p.His2033Tyr (NM_000721.4); c.6040C>T, p.His2014Tyr (NM_001205294.2); short protein forms H2014Y, H2033Y, H2076Y.
Identifiers: ClinVar variation 2796685 (VCV002796685.3), dbSNP rs2525509889, ClinGen allele CA343633182.
Genomic context (GRCh38, chr1:181,796,685, plus strand): 5'-AGTGGACAGAGTTATAACCAAGTGCTTTTGTCACCTCTCACAGGCCACAAGTCTGACACT[C>T]ACCGCTCAGGGGGCAGGGAGCGGGGACGATCAAAAGAGCGAAAGCATCTTCTCTCTCCTG-3'
Protein context (NP_001192222.1, residues 2066-2086): NSDSGHKSDT[His2076Tyr]RSGGRERGRS